The following is an entry in ClinVar:

NM_014476.6(PDLIM3):c.916G>A (p.Val306Met)

Gene: PDLIM3 (PDZ and LIM domain 3; minus strand). Cytogenetic location: 4q35.1.
Variant type: single nucleotide variant.
Coding change: c.916G>A on transcript NM_014476.6 (MANE Select); coding-DNA position 916, G replaced by A.
Protein change: p.Val306Met; replaces valine 306 with methionine.
Molecular consequence: missense variant. On other transcripts: non-coding transcript variant (1).
Genome position (GRCh38, 1-based): chr4:185,502,473, C>T on the plus strand (G>A on the coding strand, the complement: PDLIM3 is on the minus strand). VCF-style: chr4-185502473-C-T. GRCh37 (hg19) VCF-style: chr4-186423627-C-T.
Other names: c.772G>A, p.Val258Met (NM_001114107.5); c.652G>A, p.Val218Met (NM_001257962.2); c.415G>A, p.Val139Met (NM_001257963.2); short protein forms V139M, V218M, V258M, V306M.
Identifiers: ClinVar variation 1025686 (VCV001025686.9), dbSNP rs1561187562, ClinGen allele CA358919899.

ClinVar aggregate classification (germline): Uncertain significance (1 of 4 stars; one submission).

Conditions:
Primary dilated cardiomyopathy (DCM). Also called: Dilated Cardiomyopathy. Identifiers: Orphanet 217604, MedGen C0007193, MeSH D002311, MONDO:0005021, HP:0001644. Inheritance: Various modes of inheritance.
Hypertrophic cardiomyopathy. Also called: HYPERTROPHIC MYOCARDIOPATHY. Identifiers: Orphanet 217569, MedGen C0007194, MeSH D002312, MONDO:0005045, HP:0001639.

Allele frequency attached by ClinVar (database versions not stated): gnomAD exomes below 0.00001; TOPMed below 0.00001.
gnomAD v4.1: 1 of 1,614,114 alleles (0.000062%); highest among the groups gnomAD compares: Admixed American, 0.0017%; no homozygotes.

Submission:

Labcorp Genetics (formerly Invitae), Labcorp
Classification: Uncertain significance for Hypertrophic cardiomyopathy; Primary dilated cardiomyopathy. Last evaluated: 2020-04-01. Review status: criteria provided, single submitter. Criteria: Invitae Variant Classification Sherloc (09022015). Collection method: clinical testing. Allele origin: germline.
Comment: In summary, the available evidence is currently insufficient to determine the role of this variant in disease. Therefore, it has been classified as a Variant of Uncertain Significance. Algorithms developed to predict the effect of missense changes on protein structure and function are either unavailable or do not agree on the potential impact of this missense change (SIFT: "Deleterious"; PolyPhen-2: "Probably Damaging"; Align-GVGD: "Class C15"). This variant has not been reported in the literature in individuals with PDLIM3-related conditions. This variant is not present in population databases (ExAC no frequency). This sequence change replaces valine with methionine at codon 306 of the PDLIM3 protein (p.Val306Met). The valine residue is highly conserved and there is a small physicochemical difference between valine and methionine.